The following is an entry in ClinVar:

ClinVar aggregate classification (germline): Conflicting classifications of pathogenicity. Review status: criteria provided, conflicting classifications (1 of 4 stars). 5 submissions from 5 submitters: Uncertain significance (4); Likely benign (1). Last evaluated 2025-05-29.

Conditions:
Spastic paraplegia. Identifiers: MedGen C0037772, HP:0001258.
Hereditary spastic paraplegia 46. Also called: Spastic paraplegia 46, autosomal recessive. Identifiers: Orphanet 320391, MedGen C2828721, MONDO:0013737, OMIM 614409.
Inborn genetic diseases. Identifiers: MedGen C0950123, MeSH D030342.
Hereditary spastic paraplegia. Also called: Familial spastic paraparesis. Identifiers: Orphanet 685, MedGen C0037773, MONDO:0019064. Disease mechanism: loss of function.

Allele frequency attached by ClinVar (database versions not stated): ExAC 0.00002; TOPMed 0.00003; gnomAD 0.00004; gnomAD exomes 0.00004 and 0.00005; ESP Exome Variant Server 0.00008.
gnomAD v4.1: 75 of 1,613,830 alleles (0.0046%); highest among the groups gnomAD compares: Non-Finnish European, 0.0056%; no homozygotes.

Submissions (5):

Ambry Genetics
Classification: Likely benign for Inborn genetic diseases. Last evaluated: 2025-05-29. Review status: criteria provided, single submitter. Criteria: Ambry Variant Classification Scheme 2023. Collection method: clinical testing. Allele origin: germline.

Mayo Clinic Laboratories, Mayo Clinic
Classification: Uncertain significance. Last evaluated: 2025-04-14. Review status: criteria provided, single submitter. Criteria: ACMG Guidelines, 2015. Collection method: clinical testing. Allele origin: germline. Observed: 1 variant allele.
Comment: BP4_moderate

Labcorp Genetics (formerly Invitae), Labcorp
Classification: Uncertain significance for Spastic paraplegia. Last evaluated: 2023-08-30. Review status: criteria provided, single submitter. Criteria: Invitae Variant Classification Sherloc (09022015). Collection method: clinical testing. Allele origin: germline.
Comment: ClinVar contains an entry for this variant (Variation ID: 576676). This variant has not been reported in the literature in individuals affected with GBA2-related conditions. This variant is present in population databases (rs368192956, gnomAD 0.005%). This sequence change replaces arginine, which is basic and polar, with glutamine, which is neutral and polar, at codon 320 of the GBA2 protein (p.Arg320Gln). Advanced modeling of protein sequence and biophysical properties (such as structural, functional, and spatial information, amino acid conservation, physicochemical variation, residue mobility, and thermodynamic stability) performed at Invitae indicates that this missense variant is not expected to disrupt GBA2 protein function. In summary, the available evidence is currently insufficient to determine the role of this variant in disease. Therefore, it has been classified as a Variant of Uncertain Significance.

Genome Diagnostics Laboratory, The Hospital for Sick Children
Classification: Uncertain significance for Hereditary spastic paraplegia. Last evaluated: 2020-04-02. Review status: criteria provided, single submitter. Criteria: ACMG Guidelines, 2015. Collection method: clinical testing. Allele origin: germline. Affected: yes.

Baylor Genetics
Classification: Uncertain significance for Hereditary spastic paraplegia 46. Last evaluated: 2018-02-12. Review status: criteria provided, single submitter. Criteria: ACMG Guidelines, 2015. Collection method: clinical testing. Allele origin: paternal. Affected: yes.
Comment: This variant was determined to be of uncertain significance according to ACMG Guidelines, 2015 [PMID:25741868].

NM_020944.3(GBA2):c.959G>A (p.Arg320Gln)

Gene: GBA2 (glucosylceramidase beta 2; minus strand). Cytogenetic location: 9p13.3.
Variant type: single nucleotide variant.
Coding change: c.959G>A on transcript NM_020944.3 (MANE Select); coding-DNA position 959, G replaced by A.
Protein change: p.Arg320Gln; replaces arginine 320 with glutamine.
Molecular consequence: missense variant.
Genome position (GRCh38, 1-based): chr9:35,740,892, C>T on the plus strand (G>A on the coding strand, the complement: GBA2 is on the minus strand). VCF-style: chr9-35740892-C-T. GRCh37 (hg19) VCF-style: chr9-35740889-C-T.
Other names: p.Arg320Gln; c.959G>A, p.Arg320Gln (NM_001330660.2); short protein forms R320Q.
Identifiers: ClinVar variation 576676 (VCV000576676.14), dbSNP rs368192956, ClinGen allele CA5050574.